The following is an entry in ClinVar:

ClinVar aggregate classification (germline): Uncertain significance (1 of 4 stars; one submission).

Conditions:
Chuvash polycythemia. Also called: POLYCYTHEMIA, VHL-DEPENDENT. Identifiers: Orphanet 238557, MedGen C1837915, MONDO:0009892, OMIM 263400.
Von Hippel-Lindau syndrome (VHLS). Also called: Von Hippel-Lindau; von Hippel–Lindau syndrome; VHL syndrome. Identifiers: Orphanet 892, MedGen C0019562, MONDO:0008667, OMIM 193300. Disease mechanism: loss of function.

Submission:

Labcorp Genetics (formerly Invitae), Labcorp
Classification: Uncertain significance for Von Hippel-Lindau syndrome; Chuvash polycythemia. Last evaluated: 2025-09-22. Review status: criteria provided, single submitter. Criteria: Invitae Variant Classification Sherloc (09022015). Collection method: clinical testing. Allele origin: germline.
Comment: This sequence change falls in intron 1 of the VHL gene. It is not expected to change the encoded amino acid sequence of the VHL protein. However, this sequence change falls within a cryptic exon in the VHL gene, known as exon E1’, which is naturally expressed at low levels in several human tissues (PMID: 29891534). This variant is not present in population databases (gnomAD no frequency). This variant has not been reported in the literature in individuals affected with VHL-related conditions. ClinVar contains an entry for this variant (Variation ID: 1062475). Algorithms developed to predict the effect of sequence changes on RNA splicing suggest that this variant is not likely to affect RNA splicing. In summary, the available evidence is currently insufficient to determine the role of this variant in disease. Therefore, it has been classified as a Variant of Uncertain Significance.

Literature cited by the submitters: PubMed 29891534.

NM_000551.4(VHL):c.340+746T>C

Genes: VHL (von Hippel-Lindau tumor suppressor; plus strand), LOC107303340 (3p25 von Hippel-Lindau tumor suppressor, E3 ubiquitin protein ligase Alu-mediated recombination region; plus strand). Cytogenetic location: 3p25.3.
Variant type: single nucleotide variant.
Coding change: c.340+746T>C on transcript NM_000551.4 (MANE Select); 746 bases into the intron after coding-DNA position 340, T replaced by C.
Molecular consequence: intron variant. On other transcripts: missense variant (1).
Genome position (GRCh38, 1-based): chr3:10,142,933, T>C. VCF-style: chr3-10142933-T-C. GRCh37 (hg19) VCF-style: chr3-10184617-T-C.
Other names: c.511T>C, p.Trp171Arg (NM_001354723.2); c.340+746T>C (NM_198156.3); short protein forms W171R.
Identifiers: ClinVar variation 1062475 (VCV001062475.9), dbSNP rs2125126051, ClinGen allele CA2499216367.